The following is an entry in ClinVar:

NM_002972.4(SBF1):c.869C>T (p.Ala290Val)

Gene: SBF1 (SET binding factor 1; minus strand). Cytogenetic location: 22q13.33.
Variant type: single nucleotide variant.
Coding change: c.869C>T on transcript NM_002972.4 (MANE Select); coding-DNA position 869, C replaced by T.
Protein change: p.Ala290Val; replaces alanine 290 with valine.
Molecular consequence: missense variant.
Genome position (GRCh38, 1-based): chr22:50,466,178, G>A on the plus strand (C>T on the coding strand, the complement: SBF1 is on the minus strand). VCF-style: chr22-50466178-G-A. GRCh37 (hg19) VCF-style: chr22-50904607-G-A.
Other names: c.872C>T, p.Ala291Val (NM_001365819.1); c.869C>T (NM_002972.2); short protein forms A290V, A291V.
Identifiers: ClinVar variation 1521367 (VCV001521367.6), dbSNP rs764238173, ClinGen allele CA10317935.

ClinVar aggregate classification (germline): Uncertain significance. Review status: criteria provided, multiple submitters, no conflicts (2 of 4 stars). 2 submissions from 2 submitters: Uncertain significance (2). Last evaluated 2024-04-12.

Allele frequency attached by ClinVar (database versions not stated): ExAC 0.00001; gnomAD exomes 0.00002; TOPMed 0.00003; gnomAD 0.00004.
gnomAD v4.1: 95 of 1,613,378 alleles (0.0059%); highest among the groups gnomAD compares: Non-Finnish European, 0.0076%; no homozygotes.

Submissions (2):

Ambry Genetics
Classification: Uncertain significance. Last evaluated: 2024-04-12. Review status: criteria provided, single submitter. Criteria: Ambry Variant Classification Scheme 2023. Collection method: clinical testing. Allele origin: germline.

Labcorp Genetics (formerly Invitae), Labcorp
Classification: Uncertain significance. Last evaluated: 2022-02-07. Review status: criteria provided, single submitter. Criteria: Invitae Variant Classification Sherloc (09022015). Collection method: clinical testing. Allele origin: germline.
Comment: This sequence change replaces alanine, which is neutral and non-polar, with valine, which is neutral and non-polar, at codon 290 of the SBF1 protein (p.Ala290Val). This variant is present in population databases (rs764238173, gnomAD 0.006%). This variant has not been reported in the literature in individuals affected with SBF1-related conditions. Algorithms developed to predict the effect of missense changes on protein structure and function are either unavailable or do not agree on the potential impact of this missense change (SIFT: "Deleterious"; PolyPhen-2: "Possibly Damaging"; Align-GVGD: "Class C0"). In summary, the available evidence is currently insufficient to determine the role of this variant in disease. Therefore, it has been classified as a Variant of Uncertain Significance.